The following is an entry in ClinVar:

ClinVar aggregate classification (germline): Likely benign (0 of 4 stars; one submission).

Conditions:
DCDC1-related disorder. Also called: DCDC1-related condition.

Allele frequency attached by ClinVar (database versions not stated): 1000 Genomes Project 30x 0.00016; 1000 Genomes Project 0.00020; TOPMed 0.00022; ESP Exome Variant Server 0.00023; ExAC 0.00041; gnomAD exomes 0.00043; gnomAD 0.00062.
gnomAD v4.1: 355 of 766,226 alleles (0.046%); highest among the groups gnomAD compares: Non-Finnish European, 0.045%; no homozygotes.

Submission:

PreventionGenetics, part of Exact Sciences
Classification: Likely benign for DCDC1-related condition. Last evaluated: 2019-07-23. Review status: no assertion criteria provided. Collection method: clinical testing. Allele origin: germline.
Comment: This variant is classified as likely benign based on ACMG/AMP sequence variant interpretation guidelines (Richards et al. 2015 PMID: 25741868, with internal and published modifications).

NM_001387274.1(DCDC1):c.2052A>G (p.Ala684=)

Gene: DCDC1 (doublecortin domain containing 1; minus strand). Cytogenetic location: 11p13.
Variant type: single nucleotide variant.
Coding change: c.2052A>G on transcript NM_001387274.1 (MANE Select); coding-DNA position 2052, A replaced by G.
Protein change: p.Ala684=; no amino-acid change (alanine 684 retained).
Molecular consequence: synonymous variant. On other transcripts: non-coding transcript variant (1).
Genome position (GRCh38, 1-based): chr11:31,094,116, T>C on the plus strand (A>G on the coding strand, the complement: DCDC1 is on the minus strand). VCF-style: chr11-31094116-T-C. GRCh37 (hg19) VCF-style: chr11-31115663-T-C.
Other names: NM_001350255.1:c.909A>G; c.2052A>G, p.Ala684= (NM_001367979.1).
Identifiers: ClinVar variation 3049961 (VCV003049961.2), dbSNP rs371110864, ClinGen allele CA5932211.